The following is an entry in ClinVar:

ClinVar aggregate classification (germline): Uncertain significance (1 of 4 stars; one submission).

Submission:

Labcorp Genetics (formerly Invitae), Labcorp
Classification: Uncertain significance. Last evaluated: 2025-02-13. Review status: criteria provided, single submitter. Criteria: Invitae Variant Classification Sherloc (09022015). Collection method: clinical testing. Allele origin: germline.
Comment: This sequence change replaces methionine, which is neutral and non-polar, with valine, which is neutral and non-polar, at codon 625 of the C1S protein (p.Met625Val). This variant is not present in population databases (gnomAD no frequency). This variant has not been reported in the literature in individuals affected with C1S-related conditions. Invitae Evidence Modeling of protein sequence and biophysical properties (such as structural, functional, and spatial information, amino acid conservation, physicochemical variation, residue mobility, and thermodynamic stability) indicates that this missense variant is not expected to disrupt C1S protein function with a negative predictive value of 80%. In summary, the available evidence is currently insufficient to determine the role of this variant in disease. Therefore, it has been classified as a Variant of Uncertain Significance.

NM_001734.5(C1S):c.1873A>G (p.Met625Val)

Gene: C1S (complement C1s; plus strand). Cytogenetic location: 12p13.31.
Variant type: single nucleotide variant.
Coding change: c.1873A>G on transcript NM_001734.5 (MANE Select); coding-DNA position 1873, A replaced by G.
Protein change: p.Met625Val; replaces methionine 625 with valine.
Molecular consequence: missense variant.
Genome position (GRCh38, 1-based): chr12:7,070,457, A>G. VCF-style: chr12-7070457-A-G. GRCh37 (hg19) VCF-style: chr12-7177761-A-G.
Other names: c.1372A>G, p.Met458Val (NM_001346850.2); c.1873A>G, p.Met625Val (NM_201442.4); short protein forms M458V, M625V.
Identifiers: ClinVar variation 4772876 (VCV004772876.1).